The following is an entry in ClinVar:

NM_003128.3(SPTBN1):c.3566A>G (p.Glu1189Gly)

Gene: SPTBN1 (spectrin beta, non-erythrocytic 1; plus strand). Cytogenetic location: 2p16.2.
Variant type: single nucleotide variant.
Coding change: c.3566A>G on transcript NM_003128.3 (MANE Select); coding-DNA position 3566, A replaced by G.
Protein change: p.Glu1189Gly; replaces glutamic acid 1189 with glycine.
Molecular consequence: missense variant.
Genome position (GRCh38, 1-based): chr2:54,632,567, A>G. VCF-style: chr2-54632567-A-G. GRCh37 (hg19) VCF-style: chr2-54859704-A-G.
Other names: c.3527A>G, p.Glu1176Gly (NM_178313.3); short protein forms E1176G, E1189G.
Identifiers: ClinVar variation 4795187 (VCV004795187.1).

ClinVar aggregate classification (germline): Uncertain significance (1 of 4 stars; one submission).

Conditions:
Developmental delay, impaired speech, and behavioral abnormalities. Identifiers: MedGen C5561957, MONDO:0859178, OMIM 619475.

gnomAD v4.1: 3 of 1,614,202 alleles (0.00019%); highest among the groups gnomAD compares: Non-Finnish European, 0.00017%; no homozygotes.

Submission:

Laboratorio de Biologia Molecular/Medicina Genomica - IFF/Fiocruz, Instituto Fernandes Figueira, Fundacao Oswaldo Cruz
Classification: Uncertain significance for Developmental delay, impaired speech, and behavioral abnormalities. Last evaluated: 2025-09-02. Review status: criteria provided, single submitter. Criteria: ACMG Guidelines, 2015. Collection method: clinical testing. Allele origin: germline. Affected: yes. Observed: 1 variant allele.
Comment: Variant: c.3566A>G (p.Glu1189Gly) in exon 17 of the SPTBN1 gene. Protein effect: Missense substitution at a highly conserved residue. In silico tools: Predict a deleterious impact. Population database (gnomAD): Extremely rare. ACMG/AMP criteria applied: PM2_Supporting, PP3.